The following is an entry in ClinVar:

ClinVar aggregate classification (germline): Uncertain significance (1 of 4 stars; one submission).

Conditions:
Hereditary cancer-predisposing syndrome. Also called: Neoplastic Syndromes, Hereditary; Tumor predisposition; Hereditary neoplastic syndrome; Hereditary Cancer Syndrome. Identifiers: Orphanet 140162, MedGen C0027672, MeSH D009386, MONDO:0015356.

Submission:

Ambry Genetics
Classification: Uncertain significance for Hereditary cancer-predisposing syndrome. Last evaluated: 2026-07-06. Review status: criteria provided, single submitter. Criteria: Ambry Variant Classification Scheme 2023. Collection method: clinical testing. Allele origin: germline.
Comment: The p.D351Y variant (also known as c.1051G>T), located in coding exon 10 of the PRKAR1A gene, results from a G to T substitution at nucleotide position 1051. The aspartic acid at codon 351 is replaced by tyrosine, an amino acid with highly dissimilar properties. This amino acid position is conserved. In addition, this alteration is predicted to be deleterious by in silico analysis. Based on the available evidence, the clinical significance of this variant remains unclear.

NM_002734.5(PRKAR1A):c.1051G>T (p.Asp351Tyr)

Gene: PRKAR1A (protein kinase cAMP-dependent type I regulatory subunit alpha; plus strand). Cytogenetic location: 17q24.2.
Variant type: single nucleotide variant.
Coding change: c.1051G>T on transcript NM_002734.5 (MANE Select); coding-DNA position 1051, G replaced by T.
Protein change: p.Asp351Tyr; replaces aspartic acid 351 with tyrosine.
Molecular consequence: missense variant. On other transcripts: intron variant (1).
Genome position (GRCh38, 1-based): chr17:68,530,354, G>T. VCF-style: chr17-68530354-G-T. GRCh37 (hg19) VCF-style: chr17-66526495-G-T.
Other names: c.1051G>T, p.Asp351Tyr (NM_001276289.2, NM_001278433.2, NM_001369389.1 and 3 more transcripts); c.973+353G>T (NM_001276290.1); short protein forms D351Y.
Identifiers: ClinVar variation 5027310 (VCV005027310.1).